The following is an entry in ClinVar:

ClinVar aggregate classification (germline): Uncertain significance (1 of 4 stars; one submission).

Conditions:
BBIP1-related disorder. Also called: BBIP1-related condition.

Submission:

PreventionGenetics, part of Exact Sciences
Classification: Uncertain significance for BBIP1-related condition. Last evaluated: 2025-09-04. Review status: criteria provided, single submitter. Criteria: ACMG Guidelines, 2015. Collection method: clinical testing. Allele origin: germline.
Comment: The BBIP1 c.23G>T variant is predicted to result in the amino acid substitution p.Arg8Ile. To our knowledge, this variant has not been reported in the literature or in a large population database (gnomAD), indicating this variant is rare. At this time, the clinical significance of this variant is uncertain due to the absence of conclusive functional and genetic evidence.

NM_001195305.3(BBIP1):c.23G>T (p.Arg8Ile)

Gene: BBIP1 (BBSome interacting protein 1; minus strand). Cytogenetic location: 10q25.2.
Variant type: single nucleotide variant.
Coding change: c.23G>T on transcript NM_001195305.3 (MANE Select); coding-DNA position 23, G replaced by T.
Protein change: p.Arg8Ile; replaces arginine 8 with isoleucine.
Molecular consequence: missense variant. On other transcripts: intron variant (1).
Genome position (GRCh38, 1-based): chr10:110,918,135, C>A on the plus strand (G>T on the coding strand, the complement: BBIP1 is on the minus strand). VCF-style: chr10-110918135-C-A. GRCh37 (hg19) VCF-style: chr10-112677893-C-A.
Other names: c.23G>T, p.Arg8Ile (NM_001195304.2, NM_001195306.2, NM_001195307.2); c.-30+986G>T (NM_001243783.3); short protein forms R8I.
Identifiers: ClinVar variation 4989266 (VCV004989266.1).